The following is an entry in ClinVar:

ClinVar aggregate classification (germline): Uncertain significance (1 of 4 stars; one submission).

Conditions:
Autosomal dominant hypocalcemia 1 (HYPOC1). Also called: HYPOCALCEMIA, FAMILIAL. Identifiers: MedGen C3715128, MONDO:0011013, OMIM 601198.
Familial hypocalciuric hypercalcemia (FHH). Also called: Familial benign hypercalcemia. Identifiers: Orphanet 405, MedGen C1809471, MONDO:0018458.

Submission:

Labcorp Genetics (formerly Invitae), Labcorp
Classification: Uncertain significance for Familial hypocalciuric hypercalcemia; Autosomal dominant hypocalcemia 1. Last evaluated: 2024-10-30. Review status: criteria provided, single submitter. Criteria: Invitae Variant Classification Sherloc (09022015). Collection method: clinical testing. Allele origin: germline.
Comment: This sequence change replaces arginine, which is basic and polar, with serine, which is neutral and polar, at codon 873 of the CASR protein (p.Arg873Ser). This variant is not present in population databases (gnomAD no frequency). This variant has not been reported in the literature in individuals affected with CASR-related conditions. An algorithm developed to predict the effect of missense changes on protein structure and function (PolyPhen-2) suggests that this variant is likely to be disruptive. In summary, the available evidence is currently insufficient to determine the role of this variant in disease. Therefore, it has been classified as a Variant of Uncertain Significance.

NM_000388.4(CASR):c.2617C>A (p.Arg873Ser)

Gene: CASR (calcium sensing receptor; plus strand). Cytogenetic location: 3q21.1.
Variant type: single nucleotide variant.
Coding change: c.2617C>A on transcript NM_000388.4 (MANE Select); coding-DNA position 2617, C replaced by A.
Protein change: p.Arg873Ser; replaces arginine 873 with serine.
Molecular consequence: missense variant.
Genome position (GRCh38, 1-based): chr3:122,284,571, C>A. VCF-style: chr3-122284571-C-A. GRCh37 (hg19) VCF-style: chr3-122003418-C-A.
Other names: c.2647C>A, p.Arg883Ser (NM_001178065.2); short protein forms R873S, R883S.
Identifiers: ClinVar variation 3751416 (VCV003751416.2).